The following is an entry in ClinVar:

NM_000548.5(TSC2):c.1257+5G>A

Gene: TSC2 (TSC complex subunit 2; plus strand). Cytogenetic location: 16p13.3.
Variant type: single nucleotide variant.
Coding change: c.1257+5G>A on transcript NM_000548.5 (MANE Select); 5 bases into the intron after coding-DNA position 1257, G replaced by A.
Molecular consequence: intron variant.
Genome position (GRCh38, 1-based): chr16:2,062,013, G>A. VCF-style: chr16-2062013-G-A. GRCh37 (hg19) VCF-style: chr16-2112014-G-A.
Other names: c.1257+5G>A (NM_001114382.3, NM_021055.3, NM_001370405.1 and 3 more transcripts); c.1146+5G>A (NM_001318827.2); c.657+5G>A (NM_001318831.2); c.1110+5G>A (NM_001318829.2); c.1290+5G>A (NM_001318832.2).
Identifiers: ClinVar variation 1679283 (VCV001679283.5), dbSNP rs2151157428, ClinGen allele CA2573151587.

ClinVar aggregate classification (germline): Conflicting classifications of pathogenicity. Review status: criteria provided, conflicting classifications (1 of 4 stars). 3 submissions from 3 submitters: Pathogenic (1); Likely pathogenic (1); Uncertain significance (1). Last evaluated 2026-06-02.

Conditions:
Hereditary cancer-predisposing syndrome. Also called: Hereditary Cancer Syndrome; Neoplastic Syndromes, Hereditary; Hereditary neoplastic syndrome; Tumor predisposition. Identifiers: Orphanet 140162, MedGen C0027672, MeSH D009386, MONDO:0015356.
Tuberous sclerosis 2 (TSC2). Identifiers: Orphanet 805, MedGen C1860707, MONDO:0013199, OMIM 613254.

Submissions (3):

Ambry Genetics
Classification: Pathogenic for Hereditary cancer-predisposing syndrome. Last evaluated: 2026-06-02. Review status: criteria provided, single submitter. Criteria: Ambry Variant Classification Scheme 2023. Collection method: clinical testing. Allele origin: germline.
Comment: The c.1257+5G>A intronic pathogenic mutation results from a G to A substitution 5 nucleotides after coding exon 11 in the TSC2 gene. This variant was reported in individual(s) with features consistent with tuberous sclerosis complex; in at least one individual, it was determined to be de novo (Milon V et al. Eur J Hum Genet, 2024 Dec;32:1590-1598; Odgis JA et al. Am J Med Genet A, 2023 Mar;191:699-710; Ambry internal data). This nucleotide position is highly conserved in available vertebrate species. In silico splice site analysis predicts that this alteration will weaken the native splice donor site and will result in the creation or strengthening of a novel splice donor site. This variant is considered to be rare based on population cohorts in the Genome Aggregation Database (gnomAD). Based on the supporting evidence, this variant is interpreted as a disease-causing mutation.

New York Genome Center
Classification: Uncertain significance for Tuberous sclerosis 2. Last evaluated: 2022-02-23. Review status: criteria provided, single submitter. Criteria: NYGC Assertion Criteria 2020. Collection method: clinical testing. Allele origin: germline. Observed: 1 variant allele, 1 mosaic individual. Study: CSER-NYCKidSeq.
Comment: The mosaic c.1257+5G>A variant in TSC2 has not previously been reported in the literature or public variant repositories (ClinVar and LOVD), and is absent from population databases (gnomAD v2.1.1 and v3.1.2, TOPMed Freeze 8), suggesting it is not a common benign variant in the populations represented in those databases. The c.1257+5G>A variant is located in the splice region after exon 12of this 41-exon gene, and is predicted to result in loss of native splice donor site (splice AI donor loss= 0.89) and activate a new splice donor site 12 nucleotides downstream of the variant (splice AI donor gain = 0.61); however, there are no functional studies to support or refute these predictions. Based on available evidence this mosaic heterozygous c.1257+5G>A variant in TSC2 identified is classified as a Variant of Uncertain Significance.

Department of Clinical Genetics, Copenhagen University Hospital, Rigshospitalet
Classification: Likely pathogenic for Tuberous sclerosis 2. Last evaluated: 2021-08-01. Review status: criteria provided, single submitter. Criteria: ACMG Guidelines, 2015. Collection method: clinical testing. Allele origin: de novo. Affected: yes.

Literature cited by the submitters: PubMed 36563179 (cited by Ambry Genetics); PubMed 38806662 (cited by Ambry Genetics).